The following is an entry in ClinVar:

ClinVar aggregate classification (germline): Likely benign. Review status: criteria provided, multiple submitters, no conflicts (2 of 4 stars). 2 submissions from 2 submitters: Likely benign (2). Last evaluated 2026-09-01.

Conditions:
KIF1A-related disorder. Also called: KIF1A-related disorders; KIF1A-related condition.
Hereditary spastic paraplegia 30. Identifiers: Orphanet 101010, MedGen C5235139, MONDO:0012476.
Intellectual disability, autosomal dominant 9 (NESCAVS). Also called: NESCAV SYNDROME; KIF1A-Related Neurodevelopmental Disorder. Identifiers: Orphanet 662367, MedGen C5393830, MONDO:0013656, OMIM 614255.
Neuropathy, hereditary sensory, type 2C. Also called: Hereditary sensory and autonomic neuropathy type IIC; KIF1A-Related HSAN2 (HSAN2C). Identifiers: Orphanet 970, MedGen C3280168, MONDO:0013634, OMIM 614213.

Allele frequency attached by ClinVar (database versions not stated): gnomAD 0.00001; gnomAD exomes 0.00001; TOPMed 0.00001; ExAC 0.00002.
gnomAD v4.1: 9 of 1,613,158 alleles (0.00056%); highest among the groups gnomAD compares: African/African-American, 0.0013%; no homozygotes.

Submissions (2):

PreventionGenetics, part of Exact Sciences
Classification: Likely benign for KIF1A-related condition. Last evaluated: 2026-09-01. Review status: criteria provided, single submitter. Criteria: ACMG Guidelines, 2015. Collection method: clinical testing. Allele origin: germline.
Comment: This variant is classified as likely benign based on ACMG/AMP sequence variant interpretation guidelines (Richards et al. 2015 PMID: 25741868, with internal and published modifications).

Labcorp Genetics (formerly Invitae), Labcorp
Classification: Likely benign for Hereditary spastic paraplegia 30; Neuropathy, hereditary sensory, type 2C; Intellectual disability, autosomal dominant 9. Last evaluated: 2024-10-21. Review status: criteria provided, single submitter. Criteria: Invitae Variant Classification Sherloc (09022015). Collection method: clinical testing. Allele origin: germline.

NM_001244008.2(KIF1A):c.2247C>T (p.Ser749=)

Gene: KIF1A (kinesin family member 1A; minus strand). Cytogenetic location: 2q37.3.
Variant type: single nucleotide variant.
Coding change: c.2247C>T on transcript NM_001244008.2 (MANE Select); coding-DNA position 2247, C replaced by T.
Protein change: p.Ser749=; no amino-acid change (serine 749 retained).
Molecular consequence: synonymous variant.
Genome position (GRCh38, 1-based): chr2:240,761,247, G>A on the plus strand (C>T on the coding strand, the complement: KIF1A is on the minus strand). VCF-style: chr2-240761247-G-A. GRCh37 (hg19) VCF-style: chr2-241700664-G-A.
Other names: c.2247C>T (NM_001244008.1); c.2247C>T, p.Ser749= (NM_001320705.2, NM_001330289.2, NM_001379638.1); c.2322C>T, p.Ser774= (NM_001330290.2, NM_001379631.1, NM_001379634.1 and 2 more transcripts); c.2220C>T, p.Ser740= (NM_001379632.1, NM_001379633.1, NM_001379636.1 and 10 more transcripts); c.2295C>T, p.Ser765= (NM_001379637.1, NM_001379648.1).
Identifiers: ClinVar variation 746447 (VCV000746447.7), dbSNP rs765482475, ClinGen allele CA2208155.